The following is an entry in ClinVar:

NM_001844.5(COL2A1):c.3494C>T (p.Pro1165Leu)

Gene: COL2A1 (collagen type II alpha 1 chain; minus strand). Cytogenetic location: 12q13.11.
Variant type: single nucleotide variant.
Coding change: c.3494C>T on transcript NM_001844.5 (MANE Select); coding-DNA position 3494, C replaced by T.
Protein change: p.Pro1165Leu; replaces proline 1165 with leucine.
Molecular consequence: missense variant.
Genome position (GRCh38, 1-based): chr12:47,976,066, G>A on the plus strand (C>T on the coding strand, the complement: COL2A1 is on the minus strand). VCF-style: chr12-47976066-G-A. GRCh37 (hg19) VCF-style: chr12-48369849-G-A.
Other names: c.3287C>T, p.Pro1096Leu (NM_033150.3); short protein forms P1165L, P1096L.
Identifiers: ClinVar variation 308911 (VCV000308911.11), dbSNP rs374156023, ClinGen allele CA6534720.

ClinVar aggregate classification (germline): Conflicting classifications of pathogenicity. Review status: criteria provided, conflicting classifications (1 of 4 stars). 4 submissions from 3 submitters: Uncertain significance (2); Likely benign (2). Last evaluated 2025-03-13.

Conditions:
Stickler syndrome type 1 (STL1). Also called: COL2A1-Related Stickler Syndrome; ARTHROOPHTHALMOPATHY, HEREDITARY PROGRESSIVE; STICKLER SYNDROME, MEMBRANOUS VITREOUS TYPE; STICKLER SYNDROME, VITREOUS TYPE 1. Identifiers: Orphanet 828, Orphanet 90653, MedGen C2020284, MONDO:0007160, OMIM 108300.
Type 2 collagenopathy. Identifiers: Orphanet 93421, MedGen C2931073, MONDO:0022800.

Allele frequency attached by ClinVar (database versions not stated): gnomAD 0.00001; gnomAD exomes 0.00001 and 0.00002; TOPMed 0.00001; ExAC 0.00002; ESP Exome Variant Server 0.00008.
gnomAD v4.1: 38 of 1,611,930 alleles (0.0024%); highest among the groups gnomAD compares: Non-Finnish European, 0.0031%; no homozygotes.

Submissions (4):

Labcorp Genetics (formerly Invitae), Labcorp
Classification: Likely benign. Last evaluated: 2025-03-13. Review status: criteria provided, single submitter. Criteria: Invitae Variant Classification Sherloc (09022015). Collection method: clinical testing. Allele origin: germline.

Blueprint Genetics
Classification: Uncertain significance. Last evaluated: 2018-01-26. Review status: criteria provided, single submitter. Criteria: ACMG Guidelines, 2015. Collection method: clinical testing. Allele origin: germline.

Illumina Laboratory Services, Illumina
Classification: Likely benign for Type II Collagenopathies. Last evaluated: 2018-01-12. Review status: criteria provided, single submitter. Criteria: ICSL Variant Classification Criteria 13 December 2019. Collection method: clinical testing. Allele origin: germline.
Comment: This variant was observed in the ICSL laboratory as part of a predisposition screen in an ostensibly healthy population. It had not been previously curated by ICSL or reported in the Human Gene Mutation Database (HGMD: prior to June 1st, 2018), and was therefore a candidate for classification through an automated scoring system. Utilizing variant allele frequency, disease prevalence and penetrance estimates, and inheritance mode, an automated score was calculated to assess if this variant is too frequent to cause the disease. Based on the score and internal cut-off values, a variant classified as likely benign is not then subjected to further curation. The score for this variant resulted in a classification of likely benign for this disease.

Illumina Laboratory Services, Illumina
Classification: Uncertain significance for Stickler syndrome type 1. Last evaluated: 2018-01-12. Review status: criteria provided, single submitter. Criteria: ICSL Variant Classification Criteria 13 December 2019. Collection method: clinical testing. Allele origin: germline.